The following is an entry in ClinVar:

ClinVar aggregate classification (germline): Benign/Likely benign. Review status: criteria provided, multiple submitters, no conflicts (2 of 4 stars). 4 submissions from 4 submitters: Benign (1); Likely benign (2). 1 of the submissions does not count toward it. Last evaluated 2026-01-31.

Conditions:
SMAD9-related disorder. Also called: SMAD9-related condition.
Pulmonary hypertension, primary, 2. Identifiers: Orphanet 422, MedGen C3888002, MONDO:0014134, OMIM 615342.

Allele frequency attached by ClinVar (database versions not stated): 1000 Genomes Project 30x 0.00125; gnomAD 0.00019; TOPMed 0.00047; ESP Exome Variant Server 0.00062; ExAC 0.00099; gnomAD exomes 0.00101; 1000 Genomes Project 0.00100.
gnomAD v4.1: 972 of 1,614,188 alleles (0.06%); highest among the groups gnomAD compares: South Asian, 0.27%; 11 homozygotes.

Submissions (4):

Labcorp Genetics (formerly Invitae), Labcorp
Classification: Benign for Pulmonary hypertension, primary, 2. Last evaluated: 2026-01-31. Review status: criteria provided, single submitter. Criteria: Invitae Variant Classification Sherloc (09022015). Collection method: clinical testing. Allele origin: germline.

GeneDx
Classification: Likely benign. Last evaluated: 2019-07-15. Review status: criteria provided, single submitter. Criteria: GeneDx Variant Classification Process June 2021. Collection method: clinical testing. Allele origin: germline. Affected: yes.

Laboratory for Molecular Medicine, Mass General Brigham Personalized Medicine
Classification: Likely benign. Last evaluated: 2015-09-02. Review status: criteria provided, single submitter. Criteria: LMM Criteria. Collection method: clinical testing. Allele origin: germline. Observed: 1 variant allele.
Comment: p.Pro16Pro in exon 2 of SMAD9: This variant is not expected to have clinical sig nificance because it does not alter an amino acid residue and is not located wit hin the splice consensus sequence. It has been identified in 0.3% (55/16502) of South Asian chromosomes by the Exome Aggregation Consortium (ExAC; dbSNP rs151312678).

PreventionGenetics, part of Exact Sciences
Classification: Likely benign for SMAD9-related condition. Last evaluated: 2023-12-07. Review status: no assertion criteria provided. Collection method: clinical testing. Allele origin: germline. Not counted in ClinVar's aggregate classification.
Comment: This variant is classified as likely benign based on ACMG/AMP sequence variant interpretation guidelines (Richards et al. 2015 PMID: 25741868, with internal and published modifications).

NM_001127217.3(SMAD9):c.48C>T (p.Pro16=)

Gene: SMAD9 (SMAD family member 9; minus strand). Cytogenetic location: 13q13.3.
Variant type: single nucleotide variant.
Coding change: c.48C>T on transcript NM_001127217.3 (MANE Select); coding-DNA position 48, C replaced by T.
Protein change: p.Pro16=; no amino-acid change (proline 16 retained).
Molecular consequence: synonymous variant.
Genome position (GRCh38, 1-based): chr13:36,879,642, G>A on the plus strand (C>T on the coding strand, the complement: SMAD9 is on the minus strand). VCF-style: chr13-36879642-G-A. GRCh37 (hg19) VCF-style: chr13-37453779-G-A.
Other names: c.48C>T, p.Pro16= (NM_001378621.1, NM_005905.6).
Identifiers: ClinVar variation 227954 (VCV000227954.15), dbSNP rs151312678, ClinGen allele CA6950656.
Genomic context (GRCh38, chr13:36,879,642, plus strand): 5'-CTTCTCTGCCCACTTTTCCTCTTCATCTCCTTGCTTCCAGCCTAGCAGTCTCTTCACTGC[G>A]GGGCTGGTGAAGGAGAAGAGGGAGCTGATGGGGGTGGTGGAGTGCATAAGAGGCCACAGC-3'
Protein context (NP_001120689.1, residues 6-26): PISSLFSFTS[Pro16=]AVKRLLGWKQ